The following is an entry in ClinVar:

ClinVar aggregate classification (germline): Uncertain significance (1 of 4 stars; one submission).

Conditions:
Hereditary cancer-predisposing syndrome. Also called: Hereditary neoplastic syndrome; Neoplastic Syndromes, Hereditary; Tumor predisposition; Hereditary Cancer Syndrome. Identifiers: Orphanet 140162, MedGen C0027672, MeSH D009386, MONDO:0015356.

Submission:

Ambry Genetics
Classification: Uncertain significance for Hereditary cancer-predisposing syndrome. Last evaluated: 2025-08-27. Review status: criteria provided, single submitter. Criteria: Ambry Variant Classification Scheme 2023. Collection method: clinical testing. Allele origin: germline.
Comment: The p.L257H variant (also known as c.770T>A), located in coding exon 9 of the MUTYH gene, results from a T to A substitution at nucleotide position 770. The leucine at codon 257 is replaced by histidine, an amino acid with similar properties. This amino acid position is conserved. In addition, this alteration is predicted to be tolerated by in silico analysis. Based on the available evidence, the clinical significance of this variant remains unclear.

NM_001048174.2(MUTYH):c.686T>A (p.Leu229His)

Gene: MUTYH (mutY DNA glycosylase; minus strand). Cytogenetic location: 1p34.1.
Variant type: single nucleotide variant.
Coding change: c.686T>A on transcript NM_001048174.2 (MANE Select); coding-DNA position 686, T replaced by A.
Protein change: p.Leu229His; replaces leucine 229 with histidine.
Molecular consequence: missense variant. On other transcripts: non-coding transcript variant (7).
Genome position (GRCh38, 1-based): chr1:45,332,409, A>T on the plus strand (T>A on the coding strand, the complement: MUTYH is on the minus strand). VCF-style: chr1-45332409-A-T. GRCh37 (hg19) VCF-style: chr1-45798081-A-T.
Other names: c.410T>A, p.Leu137His (NM_001293196.2, NM_001407091.1, NM_001293192.2); c.341T>A, p.Leu114His (NM_001350650.2, NM_001350651.2, NM_001407082.1); c.719T>A, p.Leu240His (NM_001407069.1, NM_001293191.2, NM_001407077.1); c.686T>A, p.Leu229His (NM_001407070.1, NM_001407072.1, NM_001407073.1 and 6 more transcripts); c.689T>A, p.Leu230His (NM_001407071.1, NM_001048172.2, NM_001407078.1 and 1 more transcripts); c.602T>A, p.Leu201His (NM_001407075.1); c.761T>A, p.Leu254His (NM_012222.3); c.770T>A, p.Leu257His (NM_001128425.2); and 5 more; short protein forms L114H, L216H, L236H, L257H, L230H, L243H, L201H, L215H.
Identifiers: ClinVar variation 4113826 (VCV004113826.1).
Genomic context (GRCh38, chr1:45,332,409, plus strand): 5'-TGCAGACACCCCTGAAGCACCCTTGTTACCCCAACATCCTACCAGAGCTGCTGGGAAACA[A>T]GGGTGCTGCTGGGATCAGCACCAATGGCTCGGACACGGCACAGCACCCGTGCTACGTTGC-3'
Protein context (NP_001041639.1, residues 219-239): RAIGADPSST[Leu229His]VSQQLWGLAQ